The following is an entry in ClinVar:

ClinVar aggregate classification (germline): Benign. Review status: criteria provided, multiple submitters, no conflicts (2 of 4 stars). 3 submissions from 3 submitters: Benign (3). Last evaluated 2026-02-01.

Conditions:
Ichthyosis linearis circumflexa. Identifiers: MedGen C0265962, MONDO:0043106, HP:0025810.
Netherton syndrome (NETH). Also called: NETHERTON DISEASE; ERYTHRODERMA, ICHTHYOSIFORM, WITH HYPOTRICHOSIS AND HYPER-IgE; COMEL-NETHERTON SYNDROME. Identifiers: Orphanet 634, MedGen C5574950, MONDO:0009735, OMIM 256500.

Allele frequency attached by ClinVar (database versions not stated): gnomAD exomes 0.00171; ExAC 0.00226; 1000 Genomes Project 0.00619; 1000 Genomes Project 30x 0.00687; gnomAD 0.00700 and 0.00755; ESP Exome Variant Server 0.00707; TOPMed 0.00796.
gnomAD v4.1: 2,023 of 1,613,540 alleles (0.13%); highest among the groups gnomAD compares: African/African-American, 2.3%; 28 homozygotes.

Submissions (3):

Labcorp Genetics (formerly Invitae), Labcorp
Classification: Benign for Ichthyosis linearis circumflexa. Last evaluated: 2026-02-01. Review status: criteria provided, single submitter. Criteria: Invitae Variant Classification Sherloc (09022015). Collection method: clinical testing. Allele origin: germline.

Illumina Laboratory Services, Illumina
Classification: Benign for Netherton syndrome. Last evaluated: 2018-01-13. Review status: criteria provided, single submitter. Criteria: ICSL Variant Classification Criteria 13 December 2019. Collection method: clinical testing. Allele origin: germline.
Comment: This variant was observed in the ICSL laboratory as part of a predisposition screen in an ostensibly healthy population. It had not been previously curated by ICSL or reported in the Human Gene Mutation Database (HGMD: prior to June 1st, 2018), and was therefore a candidate for classification through an automated scoring system. Utilizing variant allele frequency, disease prevalence and penetrance estimates, and inheritance mode, an automated score was calculated to assess if this variant is too frequent to cause the disease. Based on the score and internal cut-off values, a variant classified as benign is not then subjected to further curation. The score for this variant resulted in a classification of benign for this disease.

GeneDx
Classification: Benign. Last evaluated: 2015-03-03. Review status: criteria provided, single submitter. Criteria: GeneDx Variant Classification Process June 2021. Collection method: clinical testing. Allele origin: germline. Affected: yes.

NM_006846.4(SPINK5):c.2895G>A (p.Lys965=)

Gene: SPINK5 (serine peptidase inhibitor Kazal type 5; plus strand). Cytogenetic location: 5q32.
Variant type: single nucleotide variant.
Coding change: c.2895G>A on transcript NM_006846.4 (MANE Select); coding-DNA position 2895, G replaced by A.
Protein change: p.Lys965=; no amino-acid change (lysine 965 retained).
Molecular consequence: synonymous variant.
Genome position (GRCh38, 1-based): chr5:148,127,010, G>A. VCF-style: chr5-148127010-G-A. GRCh37 (hg19) VCF-style: chr5-147506573-G-A.
Other names: c.2985G>A, p.Lys995= (NM_001127698.2).
Identifiers: ClinVar variation 351539 (VCV000351539.17), dbSNP rs34966234, ClinGen allele CA3496181.